The following is an entry in ClinVar:

NM_182895.5(SCARF2):c.2560G>A (p.Ala854Thr)

Gene: SCARF2 (scavenger receptor class F member 2; minus strand). Cytogenetic location: 22q11.21.
Variant type: single nucleotide variant.
Coding change: c.2560G>A on transcript NM_182895.5 (MANE Select); coding-DNA position 2560, G replaced by A.
Protein change: p.Ala854Thr; replaces alanine 854 with threonine.
Molecular consequence: missense variant.
Genome position (GRCh38, 1-based): chr22:20,425,416, C>T on the plus strand (G>A on the coding strand, the complement: SCARF2 is on the minus strand). VCF-style: chr22-20425416-C-T. GRCh37 (hg19) VCF-style: chr22-20779706-C-T.
Other names: c.2572G>A (NM_153334.4); c.2575G>A, p.Ala859Thr (NM_153334.7); short protein forms A854T, A859T.
Identifiers: ClinVar variation 2053743 (VCV002053743.5), dbSNP rs1450230038, ClinGen allele CA410737525.

ClinVar aggregate classification (germline): Uncertain significance. Review status: criteria provided, multiple submitters, no conflicts (2 of 4 stars). 2 submissions from 2 submitters: Uncertain significance (2). Last evaluated 2025-02-12.

Conditions:
Inborn genetic diseases. Identifiers: MedGen C0950123, MeSH D030342.

Allele frequency attached by ClinVar (database versions not stated): gnomAD 0.00001; TOPMed 0.00001; gnomAD exomes 0.00001.

Submissions (2):

Ambry Genetics
Classification: Uncertain significance for Inborn genetic diseases. Last evaluated: 2025-02-12. Review status: criteria provided, single submitter. Criteria: Ambry Variant Classification Scheme 2023. Collection method: clinical testing. Allele origin: germline.

Labcorp Genetics (formerly Invitae), Labcorp
Classification: Uncertain significance. Last evaluated: 2022-08-01. Review status: criteria provided, single submitter. Criteria: Invitae Variant Classification Sherloc (09022015). Collection method: clinical testing. Allele origin: germline.
Comment: In summary, the available evidence is currently insufficient to determine the role of this variant in disease. Therefore, it has been classified as a Variant of Uncertain Significance. Algorithms developed to predict the effect of missense changes on protein structure and function (SIFT, PolyPhen-2, Align-GVGD) all suggest that this variant is likely to be tolerated. This variant has not been reported in the literature in individuals affected with SCARF2-related conditions. The frequency data for this variant in the population databases is considered unreliable, as metrics indicate poor data quality at this position in the gnomAD database. This sequence change replaces alanine, which is neutral and non-polar, with threonine, which is neutral and polar, at codon 858 of the SCARF2 protein (p.Ala858Thr).